The following is an entry in ClinVar:

ClinVar aggregate classification (germline): Uncertain significance. Review status: criteria provided, multiple submitters, no conflicts (2 of 4 stars). 2 submissions from 2 submitters: Uncertain significance (2). Last evaluated 2024-10-16.

Conditions:
Wilson disease (WND). Also called: Wilson's disease. Identifiers: Orphanet 905, MedGen C0019202, MONDO:0010200, OMIM 277900. Disease mechanism: loss of function.

Allele frequency attached by ClinVar (database versions not stated): TOPMed below 0.00001; gnomAD 0.00001; gnomAD exomes 0.00001.
gnomAD v4.1: 21 of 1,614,062 alleles (0.0013%); highest among the groups gnomAD compares: Admixed American, 0.0017%; no homozygotes.

Submissions (2):

Labcorp Genetics (formerly Invitae), Labcorp
Classification: Uncertain significance for Wilson disease. Last evaluated: 2024-10-16. Review status: criteria provided, single submitter. Criteria: Invitae Variant Classification Sherloc (09022015). Collection method: clinical testing. Allele origin: germline.
Comment: This sequence change replaces isoleucine, which is neutral and non-polar, with threonine, which is neutral and polar, at codon 224 of the ATP7B protein (p.Ile224Thr). This variant is not present in population databases (gnomAD no frequency). This variant has not been reported in the literature in individuals affected with ATP7B-related conditions. ClinVar contains an entry for this variant (Variation ID: 1420935). Invitae Evidence Modeling of protein sequence and biophysical properties (such as structural, functional, and spatial information, amino acid conservation, physicochemical variation, residue mobility, and thermodynamic stability) has been performed for this missense variant. However, the output from this modeling did not meet the statistical confidence thresholds required to predict the impact of this variant on ATP7B protein function. In summary, the available evidence is currently insufficient to determine the role of this variant in disease. Therefore, it has been classified as a Variant of Uncertain Significance.

All of Us Research Program, National Institutes of Health
Classification: Uncertain significance for Wilson disease. Last evaluated: 2023-06-08. Review status: criteria provided, single submitter. Criteria: ACMG Guidelines, 2015. Collection method: clinical testing. Allele origin: germline. Inheritance: Autosomal recessive inheritance. Observed: 1 variant allele, 1 heterozygote.
Comment: This missense variant replaces isoleucine with threonine at codon 224 of the ATP7B protein. Computational prediction suggests that this variant may not impact protein structure and function (internally defined REVEL score threshold <= 0.5, PMID: 27666373). To our knowledge, functional studies have not been reported for this variant. This variant has not been reported in individuals affected with ATP7B-related disorders in the literature. This variant has not been identified in the general population by the Genome Aggregation Database (gnomAD). The available evidence is insufficient to determine the role of this variant in disease conclusively. Therefore, this variant is classified as a Variant of Uncertain Significance.

This study involves interpretation of variants in research participants for the purpose of population health screening. Participant phenotype was not available at the time of variant classification. Additional details can be found in publication PMID: 35346344, PMCID: PMC8962531

NM_000053.4(ATP7B):c.671T>C (p.Ile224Thr)

Gene: ATP7B (ATPase copper transporting beta; minus strand). Cytogenetic location: 13q14.3.
Variant type: single nucleotide variant.
Coding change: c.671T>C on transcript NM_000053.4 (MANE Select); coding-DNA position 671, T replaced by C.
Protein change: p.Ile224Thr; replaces isoleucine 224 with threonine.
Molecular consequence: missense variant.
Genome position (GRCh38, 1-based): chr13:51,974,549, A>G on the plus strand (T>C on the coding strand, the complement: ATP7B is on the minus strand). VCF-style: chr13-51974549-A-G. GRCh37 (hg19) VCF-style: chr13-52548685-A-G.
Other names: c.671T>C, p.Ile224Thr (NM_001005918.3, NM_001243182.2, NM_001330578.2 and 1 more transcripts); short protein forms I224T.
Identifiers: ClinVar variation 1420935 (VCV001420935.5), dbSNP rs994646747, ClinGen allele CA250067294.